The following is an entry in ClinVar:

NC_000008.11:g.37784262C>G

Gene: PLPBP (pyridoxal phosphate binding protein; plus strand). Cytogenetic location: 8p11.23.
Variant type: single nucleotide variant.
Genome position: GRCh38 VCF-style: chr8-37784262-C-G. GRCh37 (hg19) VCF-style: chr8-37641780-C-G.
Identifiers: ClinVar variation 2658537 (VCV002658537.24), dbSNP rs80315675, ClinGen allele CA4711390.

ClinVar aggregate classification (germline): Likely benign (1 of 4 stars; one submission).

Allele frequency attached by ClinVar (database versions not stated): 1000 Genomes Project 30x 0.00297; 1000 Genomes Project 0.00339; ExAC 0.00455; gnomAD 0.00554; gnomAD exomes 0.00577.

Submission:

CeGaT Center for Human Genetics Tuebingen
Classification: Likely benign. Last evaluated: 2023-04-01. Review status: criteria provided, single submitter. Criteria: CeGaT Center For Human Genetics Tuebingen Variant Classification Criteria Version 2. Collection method: clinical testing. Allele origin: germline. Affected: yes. Observed: 3 variant alleles.
Comment: PLPBP: BS2